The following is an entry in ClinVar:

NM_002471.4(MYH6):c.5320G>C (p.Glu1774Gln)

Gene: MYH6 (myosin heavy chain 6; minus strand). Cytogenetic location: 14q11.2.
Variant type: single nucleotide variant.
Coding change: c.5320G>C on transcript NM_002471.4 (MANE Select); coding-DNA position 5320, G replaced by C.
Protein change: p.Glu1774Gln; replaces glutamic acid 1774 with glutamine.
Molecular consequence: missense variant.
Genome position (GRCh38, 1-based): chr14:23,384,687, C>G on the plus strand (G>C on the coding strand, the complement: MYH6 is on the minus strand). VCF-style: chr14-23384687-C-G. GRCh37 (hg19) VCF-style: chr14-23853896-C-G.
Other names: short protein forms E1774Q.
Identifiers: ClinVar variation 2506418 (VCV002506418.2), dbSNP rs2502137278, ClinGen allele CA388985515.

ClinVar aggregate classification (germline): Uncertain significance (0 of 4 stars; one submission).

Conditions:
Hypertrophic cardiomyopathy. Also called: HYPERTROPHIC MYOCARDIOPATHY. Identifiers: Orphanet 217569, MedGen C0007194, MeSH D002312, MONDO:0005045, HP:0001639.

Submission:

Genotypic Technology Pvt Ltd
Classification: Uncertain significance for Hypertrophic cardiomyopathy. Last evaluated: 2022-11-08. Review status: no assertion criteria provided. Collection method: clinical testing. Allele origin: germline. Inheritance: Autosomal dominant inheritance. Affected: yes.
Comment: This sequence change replaces Glutamic acid which is a negatively charged amino acid to Glutamine that is polar uncharged amino acid at position 1774 of Myh6 protein. This Position is highly conserved across sps.Variant predicted as damaging by multiple prediction tools including SIFT, PolyPhen2 and mutation taster. This variant is in the coiled coil domain of the tail region in protein that mediates interaction of cargo molecules with other domains of myosin.In the absence of segregation analysis and funactional studies this variant has been classified as uncertain significance.